The following is an entry in ClinVar:

ClinVar aggregate classification (germline): Benign/Likely benign. Review status: criteria provided, multiple submitters, no conflicts (2 of 4 stars). 10 submissions from 10 submitters: Benign (6); Likely benign (4). Last evaluated 2026-02-04.

Conditions:
Febrile seizures, familial, 4 (FEB4). Also called: CONVULSIONS, FAMILIAL FEBRILE, 4. Identifiers: MedGen C1858493, MONDO:0011443, OMIM 604352.
Usher syndrome type 2C. Also called: Usher syndrome, type 2B; USHER SYNDROME, TYPE IIC. Identifiers: Orphanet 231178, Orphanet 886, MedGen C2931213, MONDO:0011558, OMIM 605472.

Allele frequency attached by ClinVar (database versions not stated): gnomAD exomes 0.00031 and 0.00089; ExAC 0.00130; ESP Exome Variant Server 0.00303; gnomAD 0.00367 and 0.00414; TOPMed 0.00448; 1000 Genomes Project 0.00539; 1000 Genomes Project 30x 0.00547.
gnomAD v4.1: 1,085 of 1,613,138 alleles (0.067%); highest among the groups gnomAD compares: African/African-American, 1.2%; 8 homozygotes.

Submissions (10):

Labcorp Genetics (formerly Invitae), Labcorp
Classification: Benign. Last evaluated: 2026-02-04. Review status: criteria provided, single submitter. Criteria: Invitae Variant Classification Sherloc (09022015). Collection method: clinical testing. Allele origin: germline.

Blueprint Genetics
Classification: Likely benign. Last evaluated: 2024-09-13. Review status: criteria provided, single submitter. Criteria: ACMG Guidelines, 2015. Collection method: clinical testing. Allele origin: germline.

CeGaT Center for Human Genetics Tuebingen
Classification: Benign. Last evaluated: 2023-04-01. Review status: criteria provided, single submitter. Criteria: CeGaT Center For Human Genetics Tuebingen Variant Classification Criteria Version 2. Collection method: clinical testing. Allele origin: germline. Affected: yes. Observed: 1 variant allele.
Comment: ADGRV1: BP4, BP7, BS1, BS2

Fulgent Genetics
Classification: Likely benign for Febrile seizures, familial, 4; Usher syndrome type 2C. Last evaluated: 2021-08-13. Review status: criteria provided, single submitter. Criteria: ACMG Guidelines, 2015. Collection method: clinical testing. Allele origin: unknown.

GeneDx
Classification: Benign. Last evaluated: 2019-07-08. Review status: criteria provided, single submitter. Criteria: GeneDx Variant Classification Process June 2021. Collection method: clinical testing. Allele origin: germline. Affected: yes.

Athena Diagnostics
Classification: Benign. Last evaluated: 2018-04-11. Review status: criteria provided, single submitter. Criteria: Athena Diagnostics Criteria. Collection method: clinical testing. Allele origin: germline.

Illumina Laboratory Services, Illumina
Classification: Likely benign for Usher syndrome type 2C. Last evaluated: 2018-01-13. Review status: criteria provided, single submitter. Criteria: ICSL Variant Classification Criteria 13 December 2019. Collection method: clinical testing. Allele origin: germline.
Comment: This variant was observed in the ICSL laboratory as part of a predisposition screen in an ostensibly healthy population. It had not been previously curated by ICSL or reported in the Human Gene Mutation Database (HGMD: prior to June 1st, 2018), and was therefore a candidate for classification through an automated scoring system. Utilizing variant allele frequency, disease prevalence and penetrance estimates, and inheritance mode, an automated score was calculated to assess if this variant is too frequent to cause the disease. Based on the score and internal cut-off values, a variant classified as likely benign is not then subjected to further curation. The score for this variant resulted in a classification of likely benign for this disease.

Eurofins Ntd Llc (ga)
Classification: Benign. Last evaluated: 2015-09-28. Review status: criteria provided, single submitter. Criteria: EGL Classification Definitions 2015. Collection method: clinical testing. Allele origin: germline. Observed: 1 variant allele, 1 heterozygote.

Laboratory for Molecular Medicine, Mass General Brigham Personalized Medicine
Classification: Benign. Last evaluated: 2012-02-08. Review status: criteria provided, single submitter. Criteria: LMM Criteria. Collection method: clinical testing. Allele origin: germline. Observed: 6 variant alleles.
Comment: Tyr1418Tyr in exon 20 of GPR98: This variant is not expected to have clinical si gnificance because it does not alter an amino acid residue, is not located withi n the splice consensus sequence, and has been identified in 0.9% (28/3010) of Af rican American chromosomes from a broad, though clinically unspecified populatio n (NHLBI Exome Sequencing Project;, dbSNP rs149 459739).

Breakthrough Genomics
Classification: Likely benign. Review status: criteria provided, single submitter. Criteria: ACMG Guidelines, 2015. Collection method: not provided. Allele origin: germline. Inheritance: Autosomal recessive inheritance. Affected: yes.

NM_032119.4(ADGRV1):c.4254T>C (p.Tyr1418=)

Gene: ADGRV1 (adhesion G protein-coupled receptor V1; plus strand). Cytogenetic location: 5q14.3.
Variant type: single nucleotide variant.
Coding change: c.4254T>C on transcript NM_032119.4 (MANE Select); coding-DNA position 4254, T replaced by C.
Protein change: p.Tyr1418=; no amino-acid change (tyrosine 1418 retained).
Molecular consequence: synonymous variant. On other transcripts: non-coding transcript variant (1).
Genome position (GRCh38, 1-based): chr5:90,653,828, T>C. VCF-style: chr5-90653828-T-C. GRCh37 (hg19) VCF-style: chr5-89949645-T-C.
Identifiers: ClinVar variation 46326 (VCV000046326.51), dbSNP rs149459739, ClinGen allele CA138126.
Genomic context (GRCh38, chr5:90,653,828, plus strand): 5'-TCATTATAAAACCTTGGGTTCCAATGCTACATACATTGCCAAGACAACAGTCATGAAATA[T>C]TTAGAAGAAAGTGTTTGGCTTCATCTACTAATTATCCTGGAGGATGGTATAATCGAATTC-3'
Protein context (NP_115495.3, residues 1408-1428): TYIAKTTVMK[Tyr1418=]LEESVWLHLL